The following is an entry in ClinVar:

ClinVar aggregate classification (germline): Uncertain significance (1 of 4 stars; one submission).

Allele frequency attached by ClinVar (database versions not stated): gnomAD 0.00001.

Submission:

Labcorp Genetics (formerly Invitae), Labcorp
Classification: Uncertain significance. Last evaluated: 2022-02-18. Review status: criteria provided, single submitter. Criteria: Invitae Variant Classification Sherloc (09022015). Collection method: clinical testing. Allele origin: germline.
Comment: In summary, the available evidence is currently insufficient to determine the role of this variant in disease. Therefore, it has been classified as a Variant of Uncertain Significance. Algorithms developed to predict the effect of missense changes on protein structure and function (SIFT, PolyPhen-2, Align-GVGD) all suggest that this variant is likely to be disruptive. This variant has not been reported in the literature in individuals affected with ZNF513-related conditions. This variant is present in population databases (no rsID available, gnomAD 0.01%). This sequence change replaces arginine, which is basic and polar, with histidine, which is basic and polar, at codon 226 of the ZNF513 protein (p.Arg226His).

NM_144631.6(ZNF513):c.677G>A (p.Arg226His)

Gene: ZNF513 (zinc finger protein 513; minus strand). Cytogenetic location: 2p23.3.
Variant type: single nucleotide variant.
Coding change: c.677G>A on transcript NM_144631.6 (MANE Select); coding-DNA position 677, G replaced by A.
Protein change: p.Arg226His; replaces arginine 226 with histidine.
Molecular consequence: missense variant.
Genome position (GRCh38, 1-based): chr2:27,378,589, C>T on the plus strand (G>A on the coding strand, the complement: ZNF513 is on the minus strand). VCF-style: chr2-27378589-C-T. GRCh37 (hg19) VCF-style: chr2-27601456-C-T.
Other names: c.491G>A, p.Arg164His (NM_001201459.2); short protein forms R164H, R226H.
Identifiers: ClinVar variation 2054385 (VCV002054385.4), dbSNP rs370809499, ClinGen allele CA346217800.